The following is an entry in ClinVar:

ClinVar aggregate classification (germline): Pathogenic. Review status: criteria provided, multiple submitters, no conflicts (2 of 4 stars). 8 submissions from 8 submitters: Pathogenic (8). Last evaluated 2025-12-26.

Conditions:
Congenital myotonia, autosomal dominant form (THD). Also called: Myotonia congenita autosomal dominant; THOMSEN DISEASE. Identifiers: Orphanet 614, MedGen C2936781, MONDO:0008055, OMIM 160800.
Congenital myotonia, autosomal recessive form. Also called: Becker Generalized Myotonia; myotonia congenita, autosomal recessive; BECKER DISEASE. Identifiers: Orphanet 614, MedGen C0751360, MONDO:0009715, OMIM 255700.
Batten-Turner congenital myopathy. Also called: Myotonia congenita; Congenital myotonia. Identifiers: Orphanet 206973, MedGen C0027127, MONDO:0100468, OMIM 255300.

Allele frequency attached by ClinVar (database versions not stated): gnomAD 0.00001 and 0.00002; ExAC 0.00002; gnomAD exomes 0.00002 and 0.00003; TOPMed 0.00003.

Submissions (8):

Labcorp Genetics (formerly Invitae), Labcorp
Classification: Pathogenic for Congenital myotonia, autosomal recessive form; Congenital myotonia, autosomal dominant form. Last evaluated: 2025-12-26. Review status: criteria provided, single submitter. Criteria: Invitae Variant Classification Sherloc (09022015). Collection method: clinical testing. Allele origin: germline.
Comment: This sequence change affects a donor splice site in intron 6 of the CLCN1 gene. It is expected to disrupt RNA splicing. Variants that disrupt the donor or acceptor splice site typically lead to a loss of protein function (PMID: 16199547), and loss-of-function variants in CLCN1 are known to be pathogenic (PMID: 17932099, 22094069, 23739125). This variant is present in population databases (rs776073429, gnomAD 0.01%). Disruption of this splice site has been observed in individuals with autosomal recessive myotonia congenita (PMID: 21387378, 34529042; internal data). ClinVar contains an entry for this variant (Variation ID: 265646). Algorithms developed to predict the effect of sequence changes on RNA splicing suggest that this variant may disrupt the consensus splice site. For these reasons, this variant has been classified as Pathogenic.

Molecular Genetics, Royal Melbourne Hospital
Classification: Pathogenic for Congenital myotonia, autosomal recessive form. Last evaluated: 2024-12-06. Review status: criteria provided, single submitter. Criteria: ACMG Guidelines, 2015. Collection method: clinical testing. Allele origin: germline. Inheritance: Autosomal recessive inheritance. Affected: yes.
Comment: This sequence change in CLCN1 occurs within the canonical splice donor site of intron 6. It is predicted to cause skipping of biologically relevant exon 6/23, resulting in an in-frame deletion (removes amino acids 233-258) that is expected to escape nonsense-mediated decay. Exon 6 corresponds to the transmembrane F helix and the proximal part of the F-G loop, which is a critical region (PMID: 37892996). The highest population minor allele frequency in the population database gnomAD v4.1 is 0.004% (3/74,786 alleles) in the Africa/African American population. This variant has been detected as compound heterozygous in at least three individuals with myotonia congenita (PMID: 21387378, 29606556; Royal Melbourne Hospital). At least one individual with this variant had a clinical diagnosis of myotonia congenita, which is highly specific for CLCN1-related disease. Affected heterozygotes have been reported with a milder phenotype, and the variant appears to segregate with disease in these families (PMID: 26036855, 23417379). Based on the classification scheme RMH Modified ACMG/AMP Guidelines v1.7.1, this variant is classified as PATHOGENIC. Following criteria are met: PVS1_Strong, PM2_Supporting, PM3_Supporting, PP1, PP4_Strong

GeneDx
Classification: Pathogenic. Last evaluated: 2024-04-25. Review status: criteria provided, single submitter. Criteria: GeneDx Variant Classification Process June 2021. Collection method: clinical testing. Allele origin: germline. Affected: yes.
Comment: Identified, in the heterozygous and compound heterozygous state, in multiple unrelated patients with myotonia referred for testing at GeneDx and in published literature (PMID: 26036855, 23417379, 34529042); Canonical splice site variant predicted to result in an in-frame loss of the adjacent exon in a gene for which loss of function is a known mechanism of disease; Not observed at significant frequency in large population cohorts (gnomAD); This variant is associated with the following publications: (PMID: 26036855, 29606556, 21387378, 23417379, 22094069, 23739125, 17932099, 34529042)

Fulgent Genetics
Classification: Pathogenic for Congenital myotonia, autosomal dominant form; Congenital myotonia, autosomal recessive form. Last evaluated: 2024-04-10. Review status: criteria provided, single submitter. Criteria: ACMG Guidelines, 2015. Collection method: clinical testing. Allele origin: germline.

Athena Diagnostics
Classification: Pathogenic. Last evaluated: 2024-01-24. Review status: criteria provided, single submitter. Criteria: Athena Diagnostics Criteria. Collection method: clinical testing. Allele origin: unknown.
Comment: The frequency of this variant in the general population is consistent with pathogenicity. This variant is statistically more frequent in the patient population than in the general population. This variant is not expected to cause loss of protein expression through nonsense-mediated decay, however, it is expected to severely disrupt protein function in this gene. This variant has been seen in multiple individuals with apparently autosomal recessive myotonia congenita (PMID: 21387378). However, it has also been reported in individuals with possible autosomal dominant myotonia congenita (PMID: 23417379, 26036855).

Revvity Omics, Revvity
Classification: Pathogenic. Last evaluated: 2021-10-07. Review status: criteria provided, single submitter. Criteria: ACMG Guidelines, 2015. Collection method: clinical testing. Allele origin: germline.

Mayo Clinic Laboratories, Mayo Clinic
Classification: Pathogenic. Last evaluated: 2020-02-17. Review status: criteria provided, single submitter. Criteria: ACMG Guidelines, 2015. Collection method: clinical testing. Allele origin: germline. Observed: 1 variant allele.
Comment: PVS1, PS4_moderate, PM2, PP1

Illumina Laboratory Services, Illumina
Classification: Pathogenic for Myotonia congenita. Last evaluated: 2017-04-28. Review status: criteria provided, single submitter. Criteria: ICSL Variant Classification Criteria 09 May 2019. Collection method: clinical testing. Allele origin: germline.
Comment: The CLCN1 c.774+1G>A variant occurs in a canonical splice site (donor) and is therefore predicted to disrupt or distort the normal gene product. Across three studies this variant was identified in a total of eight individuals. Tan et al. (2011) found the c.774+1G>A variant in a compound heterozygous state with another splice variant in an individual with myotonia congenita. Additionally, Bissay et al. (2015) identified the variant in at least five members of a family with both Brugada syndrome and myotonic features. The c.774+1G>A variant segregated with disease within the family. Control data are unavailable from these studies but the c.774+1G>A variant is reported at a frequency of 0.00019 in the African population of the Exome Aggregation Consortium, though this frequency is based on only two alleles in a region of good sequencing coverage. Based on the evidence from the literature and the potential impact of splice donor variants, the c.774+1G>A variant is classified as pathogenic for myotonia congenita. This variant was observed by ICSL as part of a predisposition screen in an ostensibly healthy population.

Literature cited by the submitters: PubMed 16199547 (cited by Labcorp Genetics (formerly Invitae), Labcorp); PubMed 17932099 (cited by Labcorp Genetics (formerly Invitae), Labcorp); PubMed 22094069 (cited by Labcorp Genetics (formerly Invitae), Labcorp); PubMed 23739125 (cited by Labcorp Genetics (formerly Invitae), Labcorp); PubMed 21387378 (cited by 4 submitters); PubMed 34529042 (cited by Labcorp Genetics (formerly Invitae), Labcorp and Athena Diagnostics); PubMed 23417379 (cited by 4 submitters); PubMed 26036855 (cited by 4 submitters); PubMed 29606556 (cited by Molecular Genetics, Royal Melbourne Hospital and Athena Diagnostics); PubMed 37892996 (cited by Molecular Genetics, Royal Melbourne Hospital).

NM_000083.3(CLCN1):c.774+1G>A

Gene: CLCN1 (chloride voltage-gated channel 1; plus strand). Cytogenetic location: 7q34.
Variant type: single nucleotide variant.
Coding change: c.774+1G>A on transcript NM_000083.3 (MANE Select); the canonical splice donor site of the intron after coding-DNA position 774, G replaced by A.
Molecular consequence: splice donor variant.
Genome position (GRCh38, 1-based): chr7:143,323,387, G>A. VCF-style: chr7-143323387-G-A. GRCh37 (hg19) VCF-style: chr7-143020480-G-A.
Identifiers: ClinVar variation 265646 (VCV000265646.29), dbSNP rs776073429, ClinGen allele CA4537075.